The following is an entry in ClinVar:

ClinVar aggregate classification (germline): Uncertain significance (1 of 4 stars; one submission).

Allele frequency attached by ClinVar (database versions not stated): gnomAD exomes 0.00001 and below 0.00001; TOPMed 0.00001; gnomAD 0.00002; ExAC 0.00002.
gnomAD v4.1: 19 of 1,614,076 alleles (0.0012%); highest among the groups gnomAD compares: Non-Finnish European, 0.0016%; no homozygotes.

Submission:

Labcorp Genetics (formerly Invitae), Labcorp
Classification: Uncertain significance. Last evaluated: 2025-08-11. Review status: criteria provided, single submitter. Criteria: Invitae Variant Classification Sherloc (09022015). Collection method: clinical testing. Allele origin: germline.
Comment: This sequence change replaces histidine, which is basic and polar, with arginine, which is basic and polar, at codon 465 of the PRPF6 protein (p.His465Arg). This variant is present in population databases (rs765453141, gnomAD 0.004%). This variant has not been reported in the literature in individuals affected with PRPF6-related conditions. ClinVar contains an entry for this variant (Variation ID: 1364007). Invitae Evidence Modeling of protein sequence and biophysical properties (such as structural, functional, and spatial information, amino acid conservation, physicochemical variation, residue mobility, and thermodynamic stability) indicates that this missense variant is not expected to disrupt PRPF6 protein function with a negative predictive value of 80%. In summary, the available evidence is currently insufficient to determine the role of this variant in disease. Therefore, it has been classified as a Variant of Uncertain Significance.

NM_012469.4(PRPF6):c.1394A>G (p.His465Arg)

Gene: PRPF6 (pre-mRNA processing factor 6; plus strand). Cytogenetic location: 20q13.33.
Variant type: single nucleotide variant.
Coding change: c.1394A>G on transcript NM_012469.4 (MANE Select); coding-DNA position 1394, A replaced by G.
Protein change: p.His465Arg; replaces histidine 465 with arginine.
Molecular consequence: missense variant.
Genome position (GRCh38, 1-based): chr20:64,011,373, A>G. VCF-style: chr20-64011373-A-G. GRCh37 (hg19) VCF-style: chr20-62642726-A-G.
Other names: short protein forms H465R.
Identifiers: ClinVar variation 1364007 (VCV001364007.6), dbSNP rs765453141, ClinGen allele CA9972180.
Genomic context (GRCh38, chr20:64,011,373, plus strand): 5'-CCTATGAAAATGCCCGCAAGGTCTTGAACAAGGCGCGGGAGAACATTCCTACAGACCGAC[A>G]TATCTGGATCACGGCTGCTAAGCTGGAGGAAGCCAATGGGAACACGCAGATGGTGGAGAA-3'
Protein context (NP_036601.2, residues 455-475): KARENIPTDR[His465Arg]IWITAAKLEE